The following is an entry in ClinVar:

ClinVar aggregate classification (germline): Pathogenic (1 of 4 stars; one submission).

Conditions:
RYR1-related disorder. Also called: RYR1-related condition; RYR1-related disorders. Identifiers: MedGen CN239331.

gnomAD v4.1: 2 of 1,614,224 alleles (0.00012%); highest among the groups gnomAD compares: Non-Finnish European, 0.00017%; no homozygotes.

Submission:

Labcorp Genetics (formerly Invitae), Labcorp
Classification: Pathogenic for RYR1-related disorder. Last evaluated: 2024-09-30. Review status: criteria provided, single submitter. Criteria: Invitae Variant Classification Sherloc (09022015). Collection method: clinical testing. Allele origin: germline.
Comment: This sequence change creates a premature translational stop signal (p.Trp355*) in the RYR1 gene. It is expected to result in an absent or disrupted protein product. Loss-of-function variants in RYR1 are known to be pathogenic (PMID: 23919265, 25960145, 28818389, 30611313). This variant is present in population databases (rs746058423, gnomAD 0.0009%). This variant has not been reported in the literature in individuals affected with RYR1-related conditions. For these reasons, this variant has been classified as Pathogenic.

Literature cited by the submitters: PubMed 23919265; PubMed 25960145; PubMed 28818389; PubMed 30611313.

NM_000540.3(RYR1):c.1064G>A (p.Trp355Ter)

Gene: RYR1 (ryanodine receptor 1; plus strand). Cytogenetic location: 19q13.2.
Variant type: single nucleotide variant.
Coding change: c.1064G>A on transcript NM_000540.3 (MANE Select); coding-DNA position 1064, G replaced by A.
Protein change: p.Trp355Ter; replaces tryptophan 355 with a stop codon.
Molecular consequence: nonsense.
Genome position (GRCh38, 1-based): chr19:38,448,755, G>A. VCF-style: chr19-38448755-G-A. GRCh37 (hg19) VCF-style: chr19-38939395-G-A.
Other names: c.1064G>A, p.Trp355Ter (NM_001042723.2); short protein forms W355*.
Identifiers: ClinVar variation 3614077 (VCV003614077.2).